The following is an entry in ClinVar:

NM_021926.4(ALX4):c.*3769T>C

Gene: ALX4 (ALX homeobox 4; minus strand). Cytogenetic location: 11p11.2.
Variant type: single nucleotide variant.
Coding change: c.*3769T>C on transcript NM_021926.4 (MANE Select); 3769 bases downstream of the stop codon, T replaced by C.
Molecular consequence: 3 prime UTR variant.
Genome position (GRCh38, 1-based): chr11:44,261,085, A>G on the plus strand (T>C on the coding strand, the complement: ALX4 is on the minus strand). VCF-style: chr11-44261085-A-G. GRCh37 (hg19) VCF-style: chr11-44282635-A-G.
Identifiers: ClinVar variation 877252 (VCV000877252.4), dbSNP rs116662493, ClinGen allele CA221483767.
Genomic context (GRCh38, chr11:44,261,085, plus strand): 5'-AGCACCTTTCCTCCCTACAGCATCCTGAAAGAAGTGAAGTGGGGTTGATGGGTCATTGTC[A>G]CCTTCTTATTTTTTAACTGGATAGTCACAGAGTATTATCCTGGGGGCCAGTTTACCAACC-3'

ClinVar aggregate classification (germline): Benign (1 of 4 stars; one submission).

Conditions:
Parietal foramina 2 (PFM2). Identifiers: Orphanet 60015, MedGen C1865044, MONDO:0012309, OMIM 609597.

Allele frequency attached by ClinVar (database versions not stated): 1000 Genomes Project 0.00379; gnomAD 0.00387 and 0.00400; 1000 Genomes Project 30x 0.00406; TOPMed 0.00452.

Submission:

Illumina Laboratory Services, Illumina
Classification: Benign for Parietal foramina 2. Last evaluated: 2018-01-12. Review status: criteria provided, single submitter. Criteria: ICSL Variant Classification Criteria 13 December 2019. Collection method: clinical testing. Allele origin: germline.
Comment: This variant was observed in the ICSL laboratory as part of a predisposition screen in an ostensibly healthy population. It had not been previously curated by ICSL or reported in the Human Gene Mutation Database (HGMD: prior to June 1st, 2018), and was therefore a candidate for classification through an automated scoring system. Utilizing variant allele frequency, disease prevalence and penetrance estimates, and inheritance mode, an automated score was calculated to assess if this variant is too frequent to cause the disease. Based on the score and internal cut-off values, a variant classified as benign is not then subjected to further curation. The score for this variant resulted in a classification of benign for this disease.